The following is an entry in ClinVar:

NM_004656.4(BAP1):c.442G>A (p.Glu148Lys)

Gene: BAP1 (BRCA1 associated deubiquitinase 1; minus strand). Cytogenetic location: 3p21.1.
Variant type: single nucleotide variant.
Coding change: c.442G>A on transcript NM_004656.4 (MANE Select); coding-DNA position 442, G replaced by A.
Protein change: p.Glu148Lys; replaces glutamic acid 148 with lysine.
Molecular consequence: missense variant.
Genome position (GRCh38, 1-based): chr3:52,407,312, C>T on the plus strand (G>A on the coding strand, the complement: BAP1 is on the minus strand). VCF-style: chr3-52407312-C-T. GRCh37 (hg19) VCF-style: chr3-52441328-C-T.
Other names: c.442G>A (NM_004656.2); short protein forms E148K.
Identifiers: ClinVar variation 850297 (VCV000850297.9), dbSNP rs1705197628, ClinGen allele CA353110466.

ClinVar aggregate classification (germline): Uncertain significance. Review status: criteria provided, multiple submitters, no conflicts (2 of 4 stars). 3 submissions from 3 submitters: Uncertain significance (3). Last evaluated 2025-07-31.

Conditions:
BAP1-related tumor predisposition syndrome (TPDS1). Also called: COMMON Syndrome; Tumor susceptibility linked to germline BAP1 mutations; TUMOR PREDISPOSITION SYNDROME 1; BAP1 tumor predisposition syndrome. Identifiers: Orphanet 289539, MedGen C3280492, MONDO:0013692, OMIM 614327.
Hereditary cancer-predisposing syndrome. Also called: Tumor predisposition; Neoplastic Syndromes, Hereditary; Hereditary neoplastic syndrome; Hereditary Cancer Syndrome. Identifiers: Orphanet 140162, MedGen C0027672, MeSH D009386, MONDO:0015356.

Submissions (3):

Labcorp Genetics (formerly Invitae), Labcorp
Classification: Uncertain significance for BAP1-related tumor predisposition syndrome. Last evaluated: 2025-07-31. Review status: criteria provided, single submitter. Criteria: Invitae Variant Classification Sherloc (09022015). Collection method: clinical testing. Allele origin: germline.
Comment: This sequence change replaces glutamic acid, which is acidic and polar, with lysine, which is basic and polar, at codon 148 of the BAP1 protein (p.Glu148Lys). This variant is not present in population databases (gnomAD no frequency). This variant has not been reported in the literature in individuals affected with BAP1-related conditions. ClinVar contains an entry for this variant (Variation ID: 850297). Invitae Evidence Modeling of protein sequence and biophysical properties (such as structural, functional, and spatial information, amino acid conservation, physicochemical variation, residue mobility, and thermodynamic stability) indicates that this missense variant is expected to disrupt BAP1 protein function with a positive predictive value of 80%. In summary, the available evidence is currently insufficient to determine the role of this variant in disease. Therefore, it has been classified as a Variant of Uncertain Significance.

Ambry Genetics
Classification: Uncertain significance for Hereditary cancer-predisposing syndrome. Last evaluated: 2023-09-25. Review status: criteria provided, single submitter. Criteria: Ambry Variant Classification Scheme 2023. Collection method: clinical testing. Allele origin: germline.
Comment: The p.E148K variant (also known as c.442G>A), located in coding exon 7 of the BAP1 gene, results from a G to A substitution at nucleotide position 442. The glutamic acid at codon 148 is replaced by lysine, an amino acid with similar properties. This amino acid position is conserved. In addition, the in silico prediction for this alteration is inconclusive. Since supporting evidence is limited at this time, the clinical significance of this alteration remains unclear.

GeneDx
Classification: Uncertain significance. Last evaluated: 2022-02-02. Review status: criteria provided, single submitter. Criteria: GeneDx Variant Classification Process June 2021. Collection method: clinical testing. Allele origin: germline. Affected: yes.
Comment: Not observed at significant frequency in large population cohorts (gnomAD); In silico analysis supports that this missense variant does not alter protein structure/function; Has not been previously published as pathogenic or benign to our knowledge